The following is an entry in ClinVar:

ClinVar aggregate classification (germline): Pathogenic/Likely pathogenic. Review status: criteria provided, multiple submitters, no conflicts (2 of 4 stars). 3 submissions from 3 submitters: Pathogenic (1); Likely pathogenic (1). 1 of the submissions does not count toward it. Last evaluated 2026-06-10.

Conditions:
Inborn genetic diseases. Identifiers: MedGen C0950123, MeSH D030342.
Intellectual disability-severe speech delay-mild dysmorphism syndrome (IDDLA). Also called: Mental retardation with language impairment and autistic features; FOXP1 Syndrome; Intellectual developmental disorder with language impairment AND with or without autistic features. Identifiers: Orphanet 391372, MedGen C4013764, MONDO:0013352, OMIM 613670.

Allele frequency attached by ClinVar (database versions not stated): gnomAD exomes below 0.00001.
gnomAD v4.1: 1 of 1,614,118 alleles (0.000062%); highest among the groups gnomAD compares: Non-Finnish European, 0.000085%; no homozygotes.

Submissions (3):

GeneDx
Classification: Pathogenic. Last evaluated: 2026-06-10. Review status: criteria provided, single submitter. Criteria: GeneDx Variant Classification Process June 2021. Collection method: clinical testing. Allele origin: germline.
Comment: Not observed at significant frequency in large population cohorts (gnomAD); In silico analysis supports that this missense variant has a deleterious effect on protein structure/function; This variant is associated with the following publications: (PMID: 26647308, 34588003, 38843839, 41992872)

Ambry Genetics
Classification: Likely pathogenic for Inborn genetic diseases. Last evaluated: 2024-09-05. Review status: criteria provided, single submitter. Criteria: Ambry Variant Classification Scheme 2023. Collection method: clinical testing. Allele origin: germline.
Comment: The c.1538T>C (p.V513A) alteration is located in exon 18 (coding exon 13) of the FOXP1 gene. This alteration results from a T to C substitution at nucleotide position 1538, causing the valine (V) at amino acid position 513 to be replaced by an alanine (A). This variant was not reported in population-based cohorts in the Genome Aggregation Database (gnomAD). This variant has been reported as heterozygous in multiple individuals with features consistent with FOXP1-related neurodevelopmental disorder; in one individual it was determined to be the result of a de novo mutation (Trelles, 2021; Thorpe, 2024). This amino acid position is highly conserved in available vertebrate species. This missense alteration is located in a region that has a low rate of benign missense variation (Lek, 2016; Firth, 2009). This alteration is predicted to be deleterious by in silico analysis. Based on the available evidence, this alteration is classified as likely pathogenic.

Illumina Laboratory Services, Illumina
Classification: Uncertain significance for Intellectual disability-severe speech delay-mild dysmorphism syndrome. Last evaluated: 2018-12-12. Review status: flagged submission. Criteria: ICSLVariantClassificationCriteria RUGD 01 April 2020. Collection method: clinical testing. Allele origin: unknown. Not counted in ClinVar's aggregate classification.
Comment: The FOXP1 c.1538T>C p.(Val513Ala) missense variant has not, to our knowledge, been reported in the peer-reviewed literature. This variant is not observed in version 2.1.1 or version 4.0.0 of the Genome Aggregation Database. The variant is located in the FOX domain of the gene. Multiple lines of computational evidence suggest the variant may impact the gene or gene product. Based on the evidence, the c.1538T>C p.(Val513Ala) variant is classified as a variant of uncertain significance for intellectual developmental disorder with language impairment with or without autistic features.
ClinVar note: Reason: Older claim that does not account for recent evidence

Literature cited by the submitters: PubMed 26647308 (cited by Ambry Genetics); PubMed 34588003 (cited by Ambry Genetics); PubMed 38843839 (cited by Ambry Genetics).

NM_001349338.3(FOXP1):c.1538T>C (p.Val513Ala)

Gene: FOXP1 (forkhead box P1; minus strand). Cytogenetic location: 3p13.
Variant type: single nucleotide variant.
Coding change: c.1538T>C on transcript NM_001349338.3 (MANE Select); coding-DNA position 1538, T replaced by C.
Protein change: p.Val513Ala; replaces valine 513 with alanine.
Molecular consequence: missense variant. On other transcripts: non-coding transcript variant (2), intron variant (1).
Genome position (GRCh38, 1-based): chr3:70,972,669, A>G on the plus strand (T>C on the coding strand, the complement: FOXP1 is on the minus strand). VCF-style: chr3-70972669-A-G. GRCh37 (hg19) VCF-style: chr3-71021820-A-G.
Other names: c.1535T>C, p.Val512Ala (NM_001244808.3, NM_001349341.3); c.1310T>C, p.Val437Ala (NM_001244812.3); c.1238T>C, p.Val413Ala (NM_001244813.3, NM_001244815.2, NM_001349342.3); c.1538T>C, p.Val513Ala (NM_001244814.3, NM_001244816.2, NM_001349340.3 and 1 more transcripts); c.1235T>C, p.Val412Ala (NM_001349337.2, NM_001349343.3, NM_001349344.3 and 1 more transcripts); c.1531-489T>C (NM_001244810.2); short protein forms V513A, V412A, V413A, V437A, V512A.
Identifiers: ClinVar variation 522138 (VCV000522138.7), dbSNP rs1553663140, ClinGen allele CA353491860.
Genomic context (GRCh38, chr3:70,972,669, plus strand): 5'-ACTGCCCCTTTAACGTTTTCTACTCGCACAAAACACTTGTGAAGACTAAGATTATGACGC[A>G]CTGCATTCTGCAGCAAGTATAAAAGAGAGAACATTTACATTTTCTATAAGAAAAGACTCC-3'
Protein context (NP_001336267.1, residues 503-523): RRNAATWKNA[Val513Ala]RHNLSLHKCF